The following is an entry in ClinVar:

NM_016373.4(WWOX):c.1057-4C>T

Genes: MAF (MAF bZIP transcription factor; minus strand), WWOX (WW domain containing oxidoreductase; plus strand). Cytogenetic location: 16q23.2.
Variant type: single nucleotide variant.
Coding change: c.1057-4C>T on transcript NM_016373.4 (MANE Select); 4 bases into the intron before coding-DNA position 1057, C replaced by T.
Molecular consequence: intron variant.
Genome position (GRCh38, 1-based): chr16:79,211,604, C>T. VCF-style: chr16-79211604-C-T. GRCh37 (hg19) VCF-style: chr16-79245501-C-T.
Other names: p.?; c.718-4C>T (NM_001291997.2).
Identifiers: ClinVar variation 509294 (VCV000509294.13), dbSNP rs555716977, ClinGen allele CA8183722.

ClinVar aggregate classification (germline): Likely benign. Review status: criteria provided, multiple submitters, no conflicts (2 of 4 stars). 3 submissions from 3 submitters: Likely benign (3). Last evaluated 2024-12-27.

Conditions:
Autosomal recessive spinocerebellar ataxia 12. Also called: SPINOCEREBELLAR ATAXIA WITH MENTAL RETARDATION AND EPILEPSY. Identifiers: Orphanet 284282, MedGen C3280452, MONDO:0013687, OMIM 614322.
Developmental and epileptic encephalopathy, 1 (DEE1). Also called: OHTAHARA SYNDROME, X-LINKED; INFANTILE SPASM SYNDROME, X-LINKED 1; Epileptic encephalopathy, early infantile, 1; X-linked infantile spasms; West's syndrome; Tonic spasms with clustering, arrest of psychomotor development and hypsarrhythmia on EEG. Identifiers: MedGen C3463992, MONDO:0010632, OMIM 308350. Disease mechanism: loss of function.

Allele frequency attached by ClinVar (database versions not stated): gnomAD exomes 0.00001; ExAC 0.00002; gnomAD 0.00002 and 0.00003; TOPMed 0.00002; 1000 Genomes Project 30x 0.00031; 1000 Genomes Project 0.00040.
gnomAD v4.1: 19 of 1,614,170 alleles (0.0012%); highest among the groups gnomAD compares: African/African-American, 0.02%; no homozygotes.

Submissions (3):

Mayo Clinic Laboratories, Mayo Clinic
Classification: Likely benign. Last evaluated: 2024-12-27. Review status: criteria provided, single submitter. Criteria: ACMG Guidelines, 2015. Collection method: clinical testing. Allele origin: germline. Observed: 1 variant allele.
Comment: BP4, BP7

Labcorp Genetics (formerly Invitae), Labcorp
Classification: Likely benign for Developmental and epileptic encephalopathy, 1; Autosomal recessive spinocerebellar ataxia 12. Last evaluated: 2024-06-26. Review status: criteria provided, single submitter. Criteria: Invitae Variant Classification Sherloc (09022015). Collection method: clinical testing. Allele origin: germline.

GeneDx
Classification: Likely benign. Last evaluated: 2021-05-27. Review status: criteria provided, single submitter. Criteria: GeneDx Variant Classification Process June 2021. Collection method: clinical testing. Allele origin: germline. Affected: yes.